The following is an entry in ClinVar:

NM_138409.4(MRAP2):c.28A>G (p.Arg10Gly)

Gene: MRAP2 (melanocortin 2 receptor accessory protein 2; plus strand). Cytogenetic location: 6q14.2.
Variant type: single nucleotide variant.
Coding change: c.28A>G on transcript NM_138409.4 (MANE Select); coding-DNA position 28, A replaced by G.
Protein change: p.Arg10Gly; replaces arginine 10 with glycine.
Molecular consequence: missense variant. On other transcripts: 5 prime UTR variant (2).
Genome position (GRCh38, 1-based): chr6:84,055,346, A>G. VCF-style: chr6-84055346-A-G. GRCh37 (hg19) VCF-style: chr6-84765065-A-G.
Other names: c.-131A>G (NM_001346541.2); c.28A>G, p.Arg10Gly (NM_001346542.2, NM_001346544.2); c.-232A>G (NM_001346543.2); short protein forms R10G.
Identifiers: ClinVar variation 3251146 (VCV003251146.18), dbSNP rs2541538571.

ClinVar aggregate classification (germline): Uncertain significance (1 of 4 stars; one submission).

Submission:

CeGaT Center for Human Genetics Tuebingen
Classification: Uncertain significance. Last evaluated: 2024-06-01. Review status: criteria provided, single submitter. Criteria: CeGaT Center For Human Genetics Tuebingen Variant Classification Criteria Version 2. Collection method: clinical testing. Allele origin: germline. Affected: yes. Observed: 1 variant allele.
Comment: MRAP2: PM2, BP4